The following is an entry in ClinVar:

ClinVar aggregate classification (germline): Likely benign (1 of 4 stars; one submission).

Allele frequency attached by ClinVar (database versions not stated): 1000 Genomes Project 30x 0.00250; 1000 Genomes Project 0.00260; TOPMed 0.00577; gnomAD 0.00662 and 0.00663.
gnomAD v4.1: 6,587 of 838,980 alleles (0.79%); highest among the groups gnomAD compares: Middle Eastern, 2.3%; 36 homozygotes.

Submission:

GeneDx
Classification: Likely benign. Last evaluated: 2018-06-19. Review status: criteria provided, single submitter. Criteria: GeneDx Variant Classification (06012015). Collection method: clinical testing. Allele origin: germline. Affected: yes.
Comment: This variant is considered likely benign or benign based on one or more of the following criteria: it is a conservative change, it occurs at a poorly conserved position in the protein, it is predicted to be benign by multiple in silico algorithms, and/or has population frequency not consistent with disease.

NM_005045.4(RELN):c.3912+123C>T

Gene: RELN (reelin; minus strand). Cytogenetic location: 7q22.1.
Variant type: single nucleotide variant.
Coding change: c.3912+123C>T on transcript NM_005045.4 (MANE Select); 123 bases into the intron after coding-DNA position 3912, C replaced by T.
Molecular consequence: intron variant.
Genome position (GRCh38, 1-based): chr7:103,593,559, G>A on the plus strand (C>T on the coding strand, the complement: RELN is on the minus strand). VCF-style: chr7-103593559-G-A. GRCh37 (hg19) VCF-style: chr7-103234006-G-A.
Other names: c.3912+123C>T (NM_173054.3).
Identifiers: ClinVar variation 679504 (VCV000679504.1), dbSNP rs117357966, ClinGen allele CA12595023.